The following is an entry in ClinVar:

NM_000834.5(GRIN2B):c.608del (p.Leu203fs)

Gene: GRIN2B (glutamate ionotropic receptor NMDA type subunit 2B; minus strand). Cytogenetic location: 12p13.1.
Variant type: Deletion.
Coding change: c.608del on transcript NM_000834.5 (MANE Select); coding-DNA position 608, one base deleted (T; older notation c.608delT).
Protein change: p.Leu203fs; shifts the reading frame from leucine 203.
Molecular consequence: frameshift variant.
Genome position (GRCh38, 1-based): chr12:13,753,719, A deleted on the plus strand (T on the coding strand, the reverse complement: GRIN2B is on the minus strand). VCF-style (leftmost placement, unchanged base first): chr12-13753718-GA-G. GRCh37 (hg19) VCF-style: chr12-13906652-GA-G.
Other names: c.608del, p.Leu203fs (NM_001413992.1, NM_001413993.1, NM_001413994.1 and 1 more transcripts); short protein forms L203fs.
Identifiers: ClinVar variation 4785978 (VCV004785978.1).

ClinVar aggregate classification (germline): Pathogenic (1 of 4 stars; one submission).

Conditions:
Developmental and epileptic encephalopathy, 27 (DEE27). Also called: Epileptic encephalopathy, early infantile, 27; GRIN2B-Related Neurodevelopmental Disorder. Identifiers: Orphanet 3451, MedGen C4015316, MONDO:0014505, OMIM 616139.
Intellectual developmental disorder, autosomal dominant 6, with or without seizures. Also called: Intellectual disability, autosomal dominant 6; GRIN2B-related developmental delay, intellectual disability and autism spectrum disorder. Identifiers: Orphanet 589547, MedGen C3151411, MONDO:0013509, OMIM 613970.

Submission:

Labcorp Genetics (formerly Invitae), Labcorp
Classification: Pathogenic for Developmental and epileptic encephalopathy, 27; Intellectual developmental disorder, autosomal dominant 6, with or without seizures. Last evaluated: 2025-08-28. Review status: criteria provided, single submitter. Criteria: Invitae Variant Classification Sherloc (09022015). Collection method: clinical testing. Allele origin: germline.
Comment: This sequence change creates a premature translational stop signal (p.Leu203Profs*45) in the GRIN2B gene. It is expected to result in an absent or disrupted protein product. Loss-of-function variants in GRIN2B are known to be pathogenic (PMID: 28377535). This variant is not present in population databases (gnomAD no frequency). This variant has not been reported in the literature in individuals affected with GRIN2B-related conditions. For these reasons, this variant has been classified as Pathogenic.

Literature cited by the submitters: PubMed 28377535.